The following is an entry in ClinVar:

NM_001174147.2(LMX1B):c.419G>A (p.Cys140Tyr)

Gene: LMX1B (LIM homeobox transcription factor 1 beta; plus strand). Cytogenetic location: 9q33.3.
Variant type: single nucleotide variant.
Coding change: c.419G>A on transcript NM_001174147.2 (MANE Select); coding-DNA position 419, G replaced by A.
Protein change: p.Cys140Tyr; replaces cysteine 140 with tyrosine.
Molecular consequence: missense variant.
Genome position (GRCh38, 1-based): chr9:126,690,928, G>A. VCF-style: chr9-126690928-G-A. GRCh37 (hg19) VCF-style: chr9-129453207-G-A.
Other names: c.419G>A, p.Cys140Tyr (NM_001174146.2, NM_002316.4); short protein forms C140Y.
Identifiers: ClinVar variation 1406077 (VCV001406077.8), dbSNP rs2118986952, ClinGen allele CA374912374.
Genomic context (GRCh38, chr9:126,690,928, plus strand): 5'-AGAAGATCGCCCCCACCGAGTTCGTGATGCGGGCGCTGGAGTGCGTGTACCACCTGGGCT[G>A]CTTCTGCTGCTGCGTGTGTGAACGGCAGCTACGCAAGGGCGACGAATTCGTGCTCAAGGA-3'
Protein context (NP_001167618.1, residues 130-150): RALECVYHLG[Cys140Tyr]FCCCVCERQL

ClinVar aggregate classification (germline): Likely pathogenic (1 of 4 stars; one submission).

Submission:

Labcorp Genetics (formerly Invitae), Labcorp
Classification: Likely pathogenic. Last evaluated: 2022-11-29. Review status: criteria provided, single submitter. Criteria: Invitae Variant Classification Sherloc (09022015). Collection method: clinical testing. Allele origin: germline.
Comment: This missense change has been observed in individuals with nail-patella syndrome (PMID: 11668639; Invitae). This variant is also known as C117Y. ClinVar contains an entry for this variant (Variation ID: 1406077). Advanced modeling of protein sequence and biophysical properties (such as structural, functional, and spatial information, amino acid conservation, physicochemical variation, residue mobility, and thermodynamic stability) performed at Invitae indicates that this missense variant is expected to disrupt LMX1B protein function. This variant disrupts the p.Cys140 amino acid residue in LMX1B. Other variant(s) that disrupt this residue have been determined to be pathogenic (Invitae). This suggests that this residue is clinically significant, and that variants that disrupt this residue are likely to be disease-causing. This sequence change replaces cysteine, which is neutral and slightly polar, with tyrosine, which is neutral and polar, at codon 140 of the LMX1B protein (p.Cys140Tyr). This variant is not present in population databases (gnomAD no frequency). In summary, the currently available evidence indicates that the variant is pathogenic, but additional data are needed to prove that conclusively. Therefore, this variant has been classified as Likely Pathogenic.

Literature cited by the submitters: PubMed 11668639.